The following is an entry in ClinVar:

ClinVar aggregate classification (germline): Uncertain significance (1 of 4 stars; one submission).

Conditions:
Aicardi-Goutieres syndrome 7 (AGS7). Identifiers: Orphanet 51, MedGen C3888244, MONDO:0014367, OMIM 615846.
Singleton-Merten syndrome 1 (SGMRT1). Also called: Widened medullary cavities of bone, aortic calcification, abnormal dentition, and muscular weakness; Syndrome of widened medullary cavities of the metacarpals and phalanges, aortic calcification and abnormal dentition. Identifiers: Orphanet 85191, MedGen C4225427, MONDO:0024535, OMIM 182250.

Allele frequency attached by ClinVar (database versions not stated): ExAC 0.00001; gnomAD 0.00001; gnomAD exomes 0.00001; TOPMed 0.00001.
gnomAD v4.1: 5 of 1,608,930 alleles (0.00031%); highest among the groups gnomAD compares: Non-Finnish European, 0.00034%; no homozygotes.

Submission:

Labcorp Genetics (formerly Invitae), Labcorp
Classification: Uncertain significance for Aicardi-Goutieres syndrome 7; Singleton-Merten syndrome 1. Last evaluated: 2024-06-25. Review status: criteria provided, single submitter. Criteria: Invitae Variant Classification Sherloc (09022015). Collection method: clinical testing. Allele origin: germline.
Comment: This sequence change replaces valine, which is neutral and non-polar, with isoleucine, which is neutral and non-polar, at codon 361 of the IFIH1 protein (p.Val361Ile). This variant is present in population databases (rs775244788, gnomAD 0.0009%). This variant has not been reported in the literature in individuals affected with IFIH1-related conditions. Advanced modeling of protein sequence and biophysical properties (such as structural, functional, and spatial information, amino acid conservation, physicochemical variation, residue mobility, and thermodynamic stability) has been performed at Invitae for this missense variant, however the output from this modeling did not meet the statistical confidence thresholds required to predict the impact of this variant on IFIH1 protein function. In summary, the available evidence is currently insufficient to determine the role of this variant in disease. Therefore, it has been classified as a Variant of Uncertain Significance.

NM_022168.4(IFIH1):c.1081G>A (p.Val361Ile)

Gene: IFIH1 (interferon induced with helicase C domain 1; minus strand). Cytogenetic location: 2q24.2.
Variant type: single nucleotide variant.
Coding change: c.1081G>A on transcript NM_022168.4 (MANE Select); coding-DNA position 1081, G replaced by A.
Protein change: p.Val361Ile; replaces valine 361 with isoleucine.
Molecular consequence: missense variant.
Genome position (GRCh38, 1-based): chr2:162,288,149, C>T on the plus strand (G>A on the coding strand, the complement: IFIH1 is on the minus strand). VCF-style: chr2-162288149-C-T. GRCh37 (hg19) VCF-style: chr2-163144659-C-T.
Other names: short protein forms V361I.
Identifiers: ClinVar variation 2934246 (VCV002934246.3), dbSNP rs775244788, ClinGen allele CA1934635.